The following is an entry in ClinVar:

NM_003119.4(SPG7):c.1686C>G (p.Ile562Met)

Gene: SPG7 (SPG7 matrix AAA peptidase subunit, paraplegin; plus strand). Cytogenetic location: 16q24.3.
Variant type: single nucleotide variant.
Coding change: c.1686C>G on transcript NM_003119.4 (MANE Select); coding-DNA position 1686, C replaced by G.
Protein change: p.Ile562Met; replaces isoleucine 562 with methionine.
Molecular consequence: missense variant.
Genome position (GRCh38, 1-based): chr16:89,550,516, C>G. VCF-style: chr16-89550516-C-G. GRCh37 (hg19) VCF-style: chr16-89616924-C-G.
Other names: c.1686C>G, p.Ile562Met (NM_001363850.1); short protein forms I562M.
Identifiers: ClinVar variation 1906049 (VCV001906049.4), dbSNP rs201229581, ClinGen allele CA8244364.

ClinVar aggregate classification (germline): Uncertain significance (1 of 4 stars; one submission).

Conditions:
Hereditary spastic paraplegia 7 (SPG7). Also called: SPG7-related neurologic disorder; Autosomal recessive spastic paraplegia type 7; Spastic paraplegia 7; Hereditary spastic paraplegia Paraplegin type; SPASTIC PARAPLEGIA 7, AUTOSOMAL RECESSIVE, WITH OR WITHOUT CEREBELLAR ATAXIA. Identifiers: Orphanet 99013, MedGen C1846564, MONDO:0011803, OMIM 607259.

Allele frequency attached by ClinVar (database versions not stated): TOPMed 0.00001; ExAC 0.00002; gnomAD 0.00002; 1000 Genomes Project 30x 0.00016; 1000 Genomes Project 0.00020.
gnomAD v4.1: 37 of 1,613,730 alleles (0.0023%); highest among the groups gnomAD compares: East Asian, 0.071%; no homozygotes.

Submission:

Labcorp Genetics (formerly Invitae), Labcorp
Classification: Uncertain significance for Hereditary spastic paraplegia 7. Last evaluated: 2024-06-10. Review status: criteria provided, single submitter. Criteria: Invitae Variant Classification Sherloc (09022015). Collection method: clinical testing. Allele origin: germline.
Comment: This sequence change replaces isoleucine, which is neutral and non-polar, with methionine, which is neutral and non-polar, at codon 562 of the SPG7 protein (p.Ile562Met). This variant is present in population databases (rs201229581, gnomAD 0.006%). This variant has not been reported in the literature in individuals affected with SPG7-related conditions. ClinVar contains an entry for this variant (Variation ID: 1906049). Advanced modeling of protein sequence and biophysical properties (such as structural, functional, and spatial information, amino acid conservation, physicochemical variation, residue mobility, and thermodynamic stability) performed at Invitae indicates that this missense variant is not expected to disrupt SPG7 protein function with a negative predictive value of 80%. In summary, the available evidence is currently insufficient to determine the role of this variant in disease. Therefore, it has been classified as a Variant of Uncertain Significance.